The following is an entry in ClinVar:

ClinVar aggregate classification (germline): Uncertain significance. Review status: criteria provided, multiple submitters, no conflicts (2 of 4 stars). 3 submissions from 3 submitters: Uncertain significance (3). Last evaluated 2024-03-22.

Conditions:
Polycystic liver disease 4 with or without kidney cysts. Identifiers: MedGen C4693479, MONDO:0044327, OMIM 617875.
Bone mineral density quantitative trait locus 1 (BMND1). Identifiers: MedGen C1866079, OMIM 601884.
Exudative vitreoretinopathy 4 (EVR4). Identifiers: Orphanet 891, MedGen C1866176, MONDO:0011151, OMIM 601813.
Worth disease. Also called: ENDOSTEAL HYPEROSTOSIS, AUTOSOMAL DOMINANT; Autosomal dominant osteosclerosis, Worth type; OSTEOSCLEROSIS, AUTOSOMAL DOMINANT. Identifiers: Orphanet 2790, MedGen C0432273, MONDO:0007764, OMIM 144750.
Autosomal dominant osteopetrosis 1 (OPTA1). Also called: OSTEOPETROSIS, AUTOSOMAL DOMINANT, TYPE I. Identifiers: Orphanet 2783, MedGen C1843330, MONDO:0011877, OMIM 607634.
Osteoporosis with pseudoglioma (OPPG). Also called: osteoporosis-pseudoglioma syndrome. Identifiers: Orphanet 2788, MedGen C0432252, MONDO:0009820, OMIM 259770.

Allele frequency attached by ClinVar (database versions not stated): gnomAD 0.00001; gnomAD exomes 0.00001; ExAC 0.00002; TOPMed 0.00002.
gnomAD v4.1: 13 of 1,613,482 alleles (0.00081%); highest among the groups gnomAD compares: South Asian, 0.0055%; no homozygotes.

Submissions (3):

Fulgent Genetics
Classification: Uncertain significance for Worth disease; Osteoporosis with pseudoglioma; Exudative vitreoretinopathy 4; Bone mineral density quantitative trait locus 1; Autosomal dominant osteopetrosis 1; Polycystic liver disease 4 with or without kidney cysts. Last evaluated: 2024-03-22. Review status: criteria provided, single submitter. Criteria: ACMG Guidelines, 2015. Collection method: clinical testing. Allele origin: germline.

Blueprint Genetics
Classification: Uncertain significance. Last evaluated: 2022-11-06. Review status: criteria provided, single submitter. Criteria: ACMG Guidelines, 2015. Collection method: clinical testing. Allele origin: germline.

Labcorp Genetics (formerly Invitae), Labcorp
Classification: Uncertain significance. Last evaluated: 2022-08-05. Review status: criteria provided, single submitter. Criteria: Invitae Variant Classification Sherloc (09022015). Collection method: clinical testing. Allele origin: germline.
Comment: This sequence change replaces glycine, which is neutral and non-polar, with serine, which is neutral and polar, at codon 1110 of the LRP5 protein (p.Gly1110Ser). This variant is present in population databases (rs766646482, gnomAD 0.01%). In summary, the available evidence is currently insufficient to determine the role of this variant in disease. Therefore, it has been classified as a Variant of Uncertain Significance. Advanced modeling of protein sequence and biophysical properties (such as structural, functional, and spatial information, amino acid conservation, physicochemical variation, residue mobility, and thermodynamic stability) performed at Invitae indicates that this missense variant is not expected to disrupt LRP5 protein function. This missense change has been observed in individual(s) with clinical features of autosomal dominant familial exudative vitreoretinopathy (PMID: 31237656).

Literature cited by the submitters: PubMed 31237656 (cited by Labcorp Genetics (formerly Invitae), Labcorp).

NM_002335.4(LRP5):c.3328G>A (p.Gly1110Ser)

Gene: LRP5 (LDL receptor related protein 5; plus strand). Cytogenetic location: 11q13.2.
Variant type: single nucleotide variant.
Coding change: c.3328G>A on transcript NM_002335.4 (MANE Select); coding-DNA position 3328, G replaced by A.
Protein change: p.Gly1110Ser; replaces glycine 1110 with serine.
Molecular consequence: missense variant.
Genome position (GRCh38, 1-based): chr11:68,425,193, G>A. VCF-style: chr11-68425193-G-A. GRCh37 (hg19) VCF-style: chr11-68192661-G-A.
Other names: c.1585G>A, p.Gly529Ser (NM_001291902.2); short protein forms G1110S, G529S.
Identifiers: ClinVar variation 2418974 (VCV002418974.8), dbSNP rs766646482, ClinGen allele CA6149949.